The following is an entry in ClinVar:

NM_194248.3(OTOF):c.5375G>A (p.Arg1792His)

Gene: OTOF (otoferlin; minus strand). Cytogenetic location: 2p23.3.
Variant type: single nucleotide variant.
Coding change: c.5375G>A on transcript NM_194248.3 (MANE Select); coding-DNA position 5375, G replaced by A.
Protein change: p.Arg1792His; replaces arginine 1792 with histidine.
Molecular consequence: missense variant.
Genome position (GRCh38, 1-based): chr2:26,461,854, C>T on the plus strand (G>A on the coding strand, the complement: OTOF is on the minus strand). VCF-style: chr2-26461854-C-T. GRCh37 (hg19) VCF-style: chr2-26684722-C-T.
Other names: c.5375G>A, p.Arg1792His (NM_001287489.2); c.3074G>A, p.Arg1025His (NM_004802.4, NM_194323.3); c.3305G>A, p.Arg1102His (NM_194322.3); short protein forms R1792H, R1025H, R1102H.
Identifiers: ClinVar variation 48259 (VCV000048259.15), dbSNP rs111033349, ClinGen allele CA236032.
Genomic context (GRCh38, chr2:26,461,854, plus strand): 5'-TCCTTCTTGGAGATGACGATCTTCTCCTCCGCCGCCAGGTAGTCGAAGGGGAACAGGTAG[C>T]GCCAGTTGAAGTTGCCCTCGCCAGTGAGGGAGTGGTAGTGGACGTCTGTGTCCTGCTTGT-3'
Protein context (NP_919224.1, residues 1782-1802): SLTGEGNFNW[Arg1792His]YLFPFDYLAA

ClinVar aggregate classification (germline): Pathogenic/Likely pathogenic. Review status: criteria provided, multiple submitters, no conflicts (2 of 4 stars). 9 submissions from 8 submitters: Pathogenic (4); Likely pathogenic (1). 4 of the submissions do not count toward it. Last evaluated 2025-02-05.

Conditions:
Rare genetic deafness. Identifiers: Orphanet 96210, MedGen C5680250.
Nonsyndromic genetic hearing loss. Also called: Non-syndromic genetic deafness; Nonsyndromic genetic deafness; Nonsyndromic hearing loss and deafness. Identifiers: Orphanet 87884, MedGen C5680182, MONDO:0019497.
Autosomal recessive nonsyndromic hearing loss 9. Also called: OTOF-Related Hearing Loss; NEUROSENSORY NONSYNDROMIC RECESSIVE DEAFNESS 9; Deafness, autosomal recessive 9; AUDITORY NEUROPATHY, AUTOSOMAL RECESSIVE, 1, TEMPERATURE-SENSITIVE. Identifiers: Orphanet 90636, MedGen C1832828, MONDO:0010986, OMIM 601071.

Allele frequency attached by ClinVar (database versions not stated): gnomAD 0.00001; gnomAD exomes 0.00001.
gnomAD v4.1: 16 of 1,614,056 alleles (0.00099%); highest among the groups gnomAD compares: African/African-American, 0.0013%; no homozygotes.

Submissions (9):

Women's Health and Genetics/Laboratory Corporation of America, LabCorp
Classification: Pathogenic for Nonsyndromic genetic hearing loss. Last evaluated: 2025-02-05. Review status: criteria provided, single submitter. Criteria: LabCorp Variant Classification Summary - May 2015. Collection method: clinical testing. Allele origin: germline.
Comment: Variant summary: OTOF c.5375G>A (p.Arg1792His) results in a non-conservative amino acid change in the encoded protein sequence. Five of five in-silico tools predict a damaging effect of the variant on protein function. The variant allele was found at a frequency of 8e-06 in 251482 control chromosomes. c.5375G>A has been reported in the literature in multiple homozygous or compound heterozygous individuals affected with Nonsyndromic Hearing Loss And Deafness, Type 9 (e.g. Almontashiri_2018, Iwasa_2019). These data indicate that the variant is very likely to be associated with disease. To our knowledge, no experimental evidence demonstrating an impact on protein function has been reported. The following publications have been ascertained in the context of this evaluation (PMID: 29048421, 31095577). ClinVar contains an entry for this variant (Variation ID: 48259). Based on the evidence outlined above, the variant was classified as pathogenic.

GeneDx
Classification: Pathogenic. Last evaluated: 2024-09-09. Review status: criteria provided, single submitter. Criteria: GeneDx Variant Classification Process June 2021. Collection method: clinical testing. Allele origin: germline. Affected: yes.
Comment: Not observed at significant frequency in large population cohorts (gnomAD); In silico analysis supports that this missense variant has a deleterious effect on protein structure/function; This variant is associated with the following publications: (PMID: 27124789, 29048421, 34424407, 38378725, 31095577)

Genomic Medicine Center of Excellence, King Faisal Specialist Hospital and Research Centre
Classification: Pathogenic for Autosomal recessive nonsyndromic hearing loss 9. Last evaluated: 2024-03-17. Review status: criteria provided, single submitter. Criteria: ACMG Guidelines, 2015. Collection method: research. Allele origin: germline.

Labcorp Genetics (formerly Invitae), Labcorp
Classification: Pathogenic. Last evaluated: 2023-12-30. Review status: criteria provided, single submitter. Criteria: Invitae Variant Classification Sherloc (09022015). Collection method: clinical testing. Allele origin: germline.
Comment: This sequence change replaces arginine, which is basic and polar, with histidine, which is basic and polar, at codon 1792 of the OTOF protein (p.Arg1792His). This variant is present in population databases (rs111033349, gnomAD 0.0009%). This missense change has been observed in individual(s) with autosomal recessive OTOF-related conditions (PMID: 29048421, 31095577, 34424407). In at least one individual the data is consistent with being in trans (on the opposite chromosome) from a pathogenic variant. ClinVar contains an entry for this variant (Variation ID: 48259). Advanced modeling of protein sequence and biophysical properties (such as structural, functional, and spatial information, amino acid conservation, physicochemical variation, residue mobility, and thermodynamic stability) has been performed at Invitae for this missense variant, however the output from this modeling did not meet the statistical confidence thresholds required to predict the impact of this variant on OTOF protein function. This variant disrupts the p.Arg1792 amino acid residue in OTOF. Other variant(s) that disrupt this residue have been determined to be pathogenic (PMID: 31095577, 34416374, 34536124; Invitae). This suggests that this residue is clinically significant, and that variants that disrupt this residue are likely to be disease-causing. For these reasons, this variant has been classified as Pathogenic.

Laboratory for Molecular Medicine, Mass General Brigham Personalized Medicine
Classification: Likely pathogenic for Rare genetic deafness. Last evaluated: 2016-12-08. Review status: criteria provided, single submitter. Criteria: LMM Criteria. Collection method: clinical testing. Allele origin: germline. Inheritance: Autosomal recessive inheritance. Observed: 8 variant alleles.
Comment: The p.Arg1792His variant in OTOF has been previously reported by our laboratory in 3 individuals with hearing loss, including two homozygotes and one with audit ory neuropathy spectrum disorder (ANSD) who was compound heterozygous for a seco nd pathogenic variant in OTOF. This variant has been reported in 1/11258 Europea n chromosomes by the Genome Aggregation Database (gnomAD; dbSNP rs111033349); however, its frequency is low enough to be consi stent with a recessive carrier frequency. Computational prediction tools and con servation analyses suggest that this variant may impact the protein, though this information is not predictive enough to determine pathogenicity. In summary, al though additional studies are required to fully establish its clinical significa nce, this variant is likely pathogenic for autosomal recessive hearing loss.

Diagnosis and Treatment Center of Genetic Hearing Loss, Eye & ENT Hospital of Fudan University
Classification: Pathogenic for Autosomal recessive nonsyndromic hearing loss 9. Last evaluated: 2026-02-04. Review status: no assertion criteria provided. Collection method: clinical testing. Allele origin: germline. Inheritance: Autosomal recessive inheritance. Affected: yes. Not counted in ClinVar's aggregate classification.
Comment: The c.5375G>A missense variant in OTOF has been reported in at least six patients: three with a second pathogenic/likely pathogenic variant (c.3515G>A, c.2239G>T) and four homozygous (PM3_VeryStrong). The maximum population frequency is 0.000008 (PM2_Supporting). The REVEL score is 0.863 (PP3_Moderate). The phenotype is highly consistent with auditory neuropathy (PP4). (PMID: 34424407, 38456936, 29048421, 31095577).

OMIM
Classification: Pathogenic for DEAFNESS, AUTOSOMAL RECESSIVE 9. Last evaluated: 2018-08-31. Review status: no assertion criteria provided. Collection method: literature only. Allele origin: germline. Not counted in ClinVar's aggregate classification.

Biochemical Molecular Genetic Laboratory, King Abdulaziz Medical City
Classification: Likely pathogenic for Autosomal recessive nonsyndromic hearing loss 9. Last evaluated: 2018-02-13. Review status: no assertion criteria provided. Collection method: clinical testing. Allele origin: germline. Affected: yes. Not counted in ClinVar's aggregate classification.

Genomic Medicine Center of Excellence, King Faisal Specialist Hospital and Research Centre
Classification: Likely pathogenic. Review status: flagged submission. Criteria: ACMG Guidelines, 2015. Collection method: research. Allele origin: germline. Affected: yes. Not counted in ClinVar's aggregate classification.
ClinVar note: Reason: This record appears to be redundant with a more recent record from the same submitter.
ClinVar note: Notes: SCV000221484 appears to be redundant with SCV004804932.

Literature cited by the submitters: PubMed 31095577 (cited by 3 submitters); PubMed 29048421 (cited by 4 submitters); PubMed 34424407 (cited by Labcorp Genetics (formerly Invitae), Labcorp and Diagnosis and Treatment Center of Genetic Hearing Loss, Eye & ENT Hospital of Fudan University); PubMed 34416374 (cited by Labcorp Genetics (formerly Invitae), Labcorp); PubMed 34536124 (cited by Labcorp Genetics (formerly Invitae), Labcorp); PubMed 38456936 (cited by Diagnosis and Treatment Center of Genetic Hearing Loss, Eye & ENT Hospital of Fudan University).